The following is an entry in ClinVar:

ClinVar aggregate classification (germline): Uncertain significance (1 of 4 stars; one submission).

Conditions:
DNA ligase IV deficiency. Identifiers: Orphanet 99812, MedGen C1847827, MONDO:0011686, OMIM 606593.

Allele frequency attached by ClinVar (database versions not stated): ExAC 0.00001; gnomAD exomes 0.00001; gnomAD 0.00002; TOPMed 0.00002; ESP Exome Variant Server 0.00008.
gnomAD v4.1: 30 of 1,614,098 alleles (0.0019%); highest among the groups gnomAD compares: Non-Finnish European, 0.0023%; no homozygotes.

Submission:

Labcorp Genetics (formerly Invitae), Labcorp
Classification: Uncertain significance for DNA ligase IV deficiency. Last evaluated: 2021-10-06. Review status: criteria provided, single submitter. Criteria: Invitae Variant Classification Sherloc (09022015). Collection method: clinical testing. Allele origin: germline.
Comment: This sequence change replaces isoleucine with phenylalanine at codon 707 of the LIG4 protein (p.Ile707Phe). The isoleucine residue is weakly conserved and there is a small physicochemical difference between isoleucine and phenylalanine. This variant is present in population databases (rs370991186, ExAC 0.001%). This variant has not been reported in the literature in individuals affected with LIG4-related conditions. Algorithms developed to predict the effect of missense changes on protein structure and function (SIFT, PolyPhen-2, Align-GVGD) all suggest that this variant is likely to be tolerated. In summary, the available evidence is currently insufficient to determine the role of this variant in disease. Therefore, it has been classified as a Variant of Uncertain Significance.

NM_206937.2(LIG4):c.2119A>T (p.Ile707Phe)

Gene: LIG4 (DNA ligase 4; minus strand). Cytogenetic location: 13q33.3.
Variant type: single nucleotide variant.
Coding change: c.2119A>T on transcript NM_206937.2 (MANE Select); coding-DNA position 2119, A replaced by T.
Protein change: p.Ile707Phe; replaces isoleucine 707 with phenylalanine.
Molecular consequence: missense variant.
Genome position (GRCh38, 1-based): chr13:108,209,150, T>A on the plus strand (A>T on the coding strand, the complement: LIG4 is on the minus strand). VCF-style: chr13-108209150-T-A. GRCh37 (hg19) VCF-style: chr13-108861498-T-A.
Other names: c.2119A>T, p.Ile707Phe (NM_001098268.2, NM_001352598.2, NM_001352599.2 and 6 more transcripts); c.1918A>T, p.Ile640Phe (NM_001330595.2); c.2155A>T, p.Ile719Phe (NM_001352604.2); short protein forms I707F, I640F, I719F.
Identifiers: ClinVar variation 576246 (VCV000576246.4), dbSNP rs370991186, ClinGen allele CA7043557.